The following is an entry in ClinVar:

NM_001429.4(EP300):c.4994G>A (p.Arg1665His)

Gene: EP300 (EP300 lysine acetyltransferase; plus strand). Cytogenetic location: 22q13.2.
Variant type: single nucleotide variant.
Coding change: c.4994G>A on transcript NM_001429.4 (MANE Select); coding-DNA position 4994, G replaced by A.
Protein change: p.Arg1665His; replaces arginine 1665 with histidine.
Molecular consequence: missense variant.
Genome position (GRCh38, 1-based): chr22:41,176,461, G>A. VCF-style: chr22-41176461-G-A. GRCh37 (hg19) VCF-style: chr22-41572465-G-A.
Other names: c.4916G>A, p.Arg1639His (NM_001362843.2); short protein forms R1665H, R1639H.
Identifiers: ClinVar variation 666172 (VCV000666172.15), dbSNP rs1601639332, ClinGen allele CA411707592.
Genomic context (GRCh38, chr22:41,176,461, plus strand): 5'-GAAGAGCCCAGTGGTCCACCATGTGCATGCTGGTGGAGCTGCACACGCAGAGCCAGGACC[G>A]CTTTGTCTACACCTGCAATGAATGCAAGCACCATGTGGAGACACGCTGGCACTGTACTGT-3'
Protein context (NP_001420.2, residues 1655-1675): LVELHTQSQD[Arg1665His]FVYTCNECKH

ClinVar aggregate classification (germline): Uncertain significance. Review status: criteria provided, multiple submitters, no conflicts (2 of 4 stars). 3 submissions from 3 submitters: Uncertain significance (2). 1 of the submissions does not count toward it. Last evaluated 2025-05-09.

Conditions:
Rubinstein-Taybi syndrome due to EP300 haploinsufficiency. Also called: EP300-Related Rubinstein-Taybi Syndrome; RUBINSTEIN-TAYBI SYNDROME 2. Identifiers: Orphanet 353284, Orphanet 783, MedGen C3150941, MONDO:0013364, OMIM 613684.
EP300-related disorder. Also called: EP300-related disorders; EP300-related condition.

gnomAD v4.1: 4 of 1,614,172 alleles (0.00025%); highest among the groups gnomAD compares: Non-Finnish European, 0.00034%; no homozygotes.

Submissions (3):

Women's Health and Genetics/Laboratory Corporation of America, LabCorp
Classification: Uncertain significance. Last evaluated: 2025-05-09. Review status: criteria provided, single submitter. Criteria: LabCorp Variant Classification Summary - May 2015. Collection method: clinical testing. Allele origin: germline.
Comment: Variant summary: EP300 c.4994G>A (p.Arg1665His) results in a non-conservative amino acid change in the encoded protein sequence. Algorithms developed to predict the effect of missense changes on protein structure and function all suggest that this variant is likely to be disruptive. The variant was absent in 251410 control chromosomes. The available data on variant occurrences in the general population are insufficient to allow any conclusion about variant significance. To our knowledge, no occurrence of c.4994G>A in individuals affected with Rubinstein-Taybi Syndrome 2 and no experimental evidence demonstrating its impact on protein function have been reported. ClinVar contains an entry for this variant (Variation ID: 666172). Based on the evidence outlined above, the variant was classified as uncertain significance.

Labcorp Genetics (formerly Invitae), Labcorp
Classification: Uncertain significance for Rubinstein-Taybi syndrome due to EP300 haploinsufficiency. Last evaluated: 2019-06-29. Review status: criteria provided, single submitter. Criteria: Invitae Variant Classification Sherloc (09022015). Collection method: clinical testing. Allele origin: germline.
Comment: This sequence change replaces arginine with histidine at codon 1665 of the EP300 protein (p.Arg1665His). The arginine residue is highly conserved and there is a small physicochemical difference between arginine and histidine. This variant has not been reported in the literature in individuals with EP300-related conditions. In summary, the available evidence is currently insufficient to determine the role of this variant in disease. Therefore, it has been classified as a Variant of Uncertain Significance. Algorithms developed to predict the effect of missense changes on protein structure and function (SIFT, PolyPhen-2, Align-GVGD) all suggest that this variant is likely to be disruptive, but these predictions have not been confirmed by published functional studies and their clinical significance is uncertain. This variant is not present in population databases (ExAC no frequency).

PreventionGenetics, part of Exact Sciences
Classification: Uncertain significance for EP300-related condition. Last evaluated: 2024-08-13. Review status: no assertion criteria provided. Collection method: clinical testing. Allele origin: germline. Not counted in ClinVar's aggregate classification.
Comment: The EP300 c.4994G>A variant is predicted to result in the amino acid substitution p.Arg1665His. To our knowledge, this variant has not been reported in the literature or in a large population database, indicating this variant is rare. At this time, the clinical significance of this variant is uncertain due to the absence of conclusive functional and genetic evidence.